The following is an entry in ClinVar:

NM_024665.7(TBL1XR1):c.1291C>T (p.Arg431Ter)

Gene: TBL1XR1 (TBL1X/Y related 1; minus strand). Cytogenetic location: 3q26.32.
Variant type: single nucleotide variant.
Coding change: c.1291C>T on transcript NM_024665.7 (MANE Select); coding-DNA position 1291, C replaced by T.
Protein change: p.Arg431Ter; replaces arginine 431 with a stop codon.
Molecular consequence: nonsense.
Genome position (GRCh38, 1-based): chr3:177,033,096, G>A on the plus strand (C>T on the coding strand, the complement: TBL1XR1 is on the minus strand). VCF-style: chr3-177033096-G-A. GRCh37 (hg19) VCF-style: chr3-176750884-G-A.
Other names: c.1291C>T (NM_001321193.1); c.1291C>T, p.Arg431Ter (NM_001321193.3, NM_001321194.3, NM_001374327.1 and 2 more transcripts); c.1030C>T, p.Arg344Ter (NM_001321195.3, NM_001374330.1); short protein forms R344*, R431*.
Identifiers: ClinVar variation 981384 (VCV000981384.4), dbSNP rs755371824, ClinGen allele CA355554463.

ClinVar aggregate classification (germline): Pathogenic/Likely pathogenic. Review status: criteria provided, multiple submitters, no conflicts (2 of 4 stars). 3 submissions from 3 submitters: Pathogenic (2); Likely pathogenic (1). Last evaluated 2025-01-10.

Conditions:
Intellectual developmental disorder, autosomal dominant 41. Also called: Intellectual disability, autosomal dominant 41. Identifiers: Orphanet 2823, MedGen C4310784, MONDO:0014842, OMIM 616944.
Pierpont syndrome (PRPTS). Identifiers: Orphanet 487825, MedGen C1865644, MONDO:0011213, OMIM 602342.
Intellectual disability. Also called: Intellectual functioning disability; Intellectual developmental disorder; intellectual disabilities. Identifiers: MedGen C3714756, MeSH D008607, MONDO:0001071, HP:0001249.

Submissions (3):

GeneDx
Classification: Pathogenic. Last evaluated: 2025-01-10. Review status: criteria provided, single submitter. Criteria: GeneDx Variant Classification Process June 2021. Collection method: clinical testing. Allele origin: germline. Affected: yes.
Comment: Not observed at significant frequency in large population cohorts (gnomAD); Nonsense variant predicted to result in protein truncation or nonsense mediated decay in a gene for which loss of function is a known mechanism of disease; This variant is associated with the following publications: (PMID: 38178268)

Fulgent Genetics
Classification: Pathogenic for Pierpont syndrome; Intellectual developmental disorder, autosomal dominant 41. Last evaluated: 2024-04-29. Review status: criteria provided, single submitter. Criteria: ACMG Guidelines, 2015. Collection method: clinical testing. Allele origin: germline.

Diagnostic Laboratory, Strasbourg University Hospital
Classification: Likely pathogenic for Intellectual disability. Last evaluated: 2020-09-10. Review status: criteria provided, single submitter. Criteria: ACMG Guidelines, 2015. Collection method: clinical testing. Allele origin: de novo. Affected: yes. Observed: 1 heterozygote.